The following is an entry in ClinVar:

ClinVar aggregate classification (germline): Conflicting classifications of pathogenicity. Review status: criteria provided, conflicting classifications (1 of 4 stars). 2 submissions from 2 submitters: Likely pathogenic (1); Uncertain significance (1). Last evaluated 2026-08-26.

Conditions:
Cardiovascular phenotype. Identifiers: MedGen CN230736.
Hereditary cancer-predisposing syndrome. Also called: Hereditary Cancer Syndrome; Tumor predisposition; Hereditary neoplastic syndrome; Neoplastic Syndromes, Hereditary. Identifiers: Orphanet 140162, MedGen C0027672, MeSH D009386, MONDO:0015356.

Submissions (2):

Ambry Genetics
Classification: Likely pathogenic for Cardiovascular phenotype; Hereditary cancer-predisposing syndrome. Last evaluated: 2026-08-26. Review status: criteria provided, single submitter. Criteria: Ambry Variant Classification Scheme 2023. Collection method: clinical testing. Allele origin: germline.
Comment: The c.4772G>T (p.R1591M) alteration is located in exon 35 (coding exon 35) of the NF1 gene. This alteration results from a G to T substitution at nucleotide position 4772, causing the arginine (R) at amino acid position 1591 to be replaced by a methionine (M). However, this change occurs in the last base pair of exon 35 (coding exon 35), which makes it likely to have some effect on normal mRNA splicing. This variant was not reported in population-based cohorts in the Genome Aggregation Database (gnomAD). This nucleotide and amino acid position is highly conserved in available vertebrate species. This missense variant is located in a region that has a low rate of benign missense variation (Lek, 2016; Firth, 2009). This amino acid alteration is predicted to be deleterious by in silico analysis. In silico splice site analysis predicts that this nucleotide alteration will weaken the native splice donor site. Based on the available evidence, this alteration is classified as likely pathogenic.

Laboratory for Molecular Medicine, Mass General Brigham Personalized Medicine
Classification: Uncertain significance. Last evaluated: 2016-11-15. Review status: criteria provided, single submitter. Criteria: LMM Criteria. Collection method: clinical testing. Allele origin: germline. Observed: 1 variant allele.
Comment: The p.Arg1612Met variant in NF1 has not been previously reported in individuals with clinical features of a RASopathy and is absent from large population studie s. This variant is located in the last three bases of the exon, which is part of the 5? splice region. Computational tools do not suggest an impact to splicing. Additional computational prediction tools and conservation analysis suggest tha t the p.Arg1612Met variant may impact the protein, though this information is no t predictive enough to determine pathogenicity. However, this information is no t predictive enough to rule out pathogenicity. In summary, the clinical signific ance of the p.Arg1612Met variant is uncertain.

NM_001042492.3(NF1):c.4835G>T (p.Arg1612Met)

Gene: NF1 (neurofibromin 1; plus strand). Cytogenetic location: 17q11.2.
Variant type: single nucleotide variant.
Coding change: c.4835G>T on transcript NM_001042492.3 (MANE Select); coding-DNA position 4835, G replaced by T.
Protein change: p.Arg1612Met; replaces arginine 1612 with methionine.
Molecular consequence: missense variant.
Genome position (GRCh38, 1-based): chr17:31,265,339, G>T. VCF-style: chr17-31265339-G-T. GRCh37 (hg19) VCF-style: chr17-29592357-G-T.
Other names: c.4772G>T, p.Arg1591Met (NM_000267.4); short protein forms R1591M, R1612M.
Identifiers: ClinVar variation 517163 (VCV000517163.6), dbSNP rs1555619423, ClinGen allele CA399001391.
Genomic context (GRCh38, chr17:31,265,339, plus strand): 5'-TTTTCTACCAAGCTGGGACTTCCAAAGCTGGGAATCCTATTTTTTATTATGTTGCACGGA[G>T]GTAAGAAATACTATGTTTTGGGTCTCTTAACAGAATTTTTTAAATTATAGCAAATATAGA-3'
Protein context (NP_001035957.1, residues 1602-1622): GNPIFYYVAR[Arg1612Met]FKTGQINGDL